The following is an entry in ClinVar:

NM_003924.4(PHOX2B):c.403A>G (p.Ile135Val)

Gene: PHOX2B (paired like homeobox 2B; minus strand). Cytogenetic location: 4p13.
Variant type: single nucleotide variant.
Coding change: c.403A>G on transcript NM_003924.4 (MANE Select); coding-DNA position 403, A replaced by G.
Protein change: p.Ile135Val; replaces isoleucine 135 with valine.
Molecular consequence: missense variant.
Genome position (GRCh38, 1-based): chr4:41,747,375, T>C on the plus strand (A>G on the coding strand, the complement: PHOX2B is on the minus strand). VCF-style: chr4-41747375-T-C. GRCh37 (hg19) VCF-style: chr4-41749392-T-C.
Other names: short protein forms I135V.
Identifiers: ClinVar variation 654025 (VCV000654025.10), dbSNP rs1577560221, ClinGen allele CA356739869.
Genomic context (GRCh38, chr4:41,747,375, plus strand): 5'-CGGCGGAGCGGGGTCGGTTTCCAGGCGCGCGTACCTGGACTCGCGCCTCTGTGAGGTCGA[T>C]CTTCAGGGCCAGCTCCTCCCGAGTGTAGATGTCGGGGTAGTGAGTCTCCGCGAAGACCCT-3'
Protein context (NP_003915.2, residues 125-145): IYTREELALK[Ile135Val]DLTEARVQVW

ClinVar aggregate classification (germline): Uncertain significance (1 of 4 stars; one submission).

Conditions:
Haddad syndrome (OHD). Also called: Ondine-Hirschsprung disease. Identifiers: Orphanet 99803, MedGen C1859049, MONDO:0020493.

Submission:

Labcorp Genetics (formerly Invitae), Labcorp
Classification: Uncertain significance for Haddad syndrome. Last evaluated: 2018-12-15. Review status: criteria provided, single submitter. Criteria: Invitae Variant Classification Sherloc (09022015). Collection method: clinical testing. Allele origin: germline.
Comment: In summary, the available evidence is currently insufficient to determine the role of this variant in disease. Therefore, it has been classified as a Variant of Uncertain Significance. Algorithms developed to predict the effect of sequence changes on RNA splicing suggest that this variant may create or strengthen a splice site, but this prediction has not been confirmed by published transcriptional studies. Algorithms developed to predict the effect of missense changes on protein structure and function (SIFT, PolyPhen-2, Align-GVGD) all suggest that this variant is likely to be disruptive, but these predictions have not been confirmed by published functional studies and their clinical significance is uncertain. This variant has not been reported in the literature in individuals with PHOX2B-related conditions. This variant is not present in population databases (ExAC no frequency). This sequence change replaces isoleucine with valine at codon 135 of the PHOX2B protein (p.Ile135Val). The isoleucine residue is highly conserved and there is a small physicochemical difference between isoleucine and valine.